The following is an entry in ClinVar:

NM_000129.4(F13A1):c.1704A>G (p.Glu568=)

Gene: F13A1 (coagulation factor XIII A chain; minus strand). Cytogenetic location: 6p25.1.
Variant type: single nucleotide variant.
Coding change: c.1704A>G on transcript NM_000129.4 (MANE Select); coding-DNA position 1704, A replaced by G.
Protein change: p.Glu568=; no amino-acid change (glutamic acid 568 retained).
Molecular consequence: synonymous variant.
Genome position (GRCh38, 1-based): chr6:6,174,623, T>C on the plus strand (A>G on the coding strand, the complement: F13A1 is on the minus strand). VCF-style: chr6-6174623-T-C. GRCh37 (hg19) VCF-style: chr6-6174856-T-C.
Other names: p.Glu568=.
Identifiers: ClinVar variation 255184 (VCV000255184.10), dbSNP rs5986, ClinGen allele CA3624277.

ClinVar aggregate classification (germline): Benign/Likely benign. Review status: criteria provided, multiple submitters, no conflicts (2 of 4 stars). 5 submissions from 5 submitters: Benign (3); Likely benign (2). Last evaluated 2021-08-10.

Conditions:
Factor XIII, A subunit, deficiency of. Also called: Factor XIII subunit A deficiency. Identifiers: Orphanet 331, MedGen C2750514, MONDO:0013187, OMIM 613225, HP:0040233.

Allele frequency attached by ClinVar (database versions not stated): 1000 Genomes Project 0.04912; 1000 Genomes Project 30x 0.04966; gnomAD exomes 0.07213 and 0.08746; ExAC 0.07319; TOPMed 0.07376; gnomAD 0.07564 and 0.07753; ESP Exome Variant Server 0.08435.
gnomAD v4.1: 138,926 of 1,614,104 alleles (8.6%); highest among the groups gnomAD compares: Middle Eastern, 12%; 6,513 homozygotes.

Submissions (5):

Genome-Nilou Lab
Classification: Benign for Factor XIII, A subunit, deficiency of. Last evaluated: 2021-08-10. Review status: criteria provided, single submitter. Criteria: ACMG Guidelines, 2015. Collection method: clinical testing. Allele origin: germline. Affected: no.

Illumina Laboratory Services, Illumina
Classification: Likely benign for Factor XIII, A subunit, deficiency of. Last evaluated: 2018-01-13. Review status: criteria provided, single submitter. Criteria: ICSL Variant Classification Criteria 13 December 2019. Collection method: clinical testing. Allele origin: germline.
Comment: This variant was observed in the ICSL laboratory as part of a predisposition screen in an ostensibly healthy population. It had not been previously curated by ICSL or reported in the Human Gene Mutation Database (HGMD: prior to June 1st, 2018), and was therefore a candidate for classification through an automated scoring system. Utilizing variant allele frequency, disease prevalence and penetrance estimates, and inheritance mode, an automated score was calculated to assess if this variant is too frequent to cause the disease. Based on the score and internal cut-off values, a variant classified as likely benign is not then subjected to further curation. The score for this variant resulted in a classification of likely benign for this disease.

Mayo Clinic Laboratories, Mayo Clinic
Classification: Benign. Last evaluated: 2016-05-26. Review status: criteria provided, single submitter. Criteria: ACMG Guidelines, 2015. Collection method: clinical testing. Allele origin: germline. Observed: 28 variant alleles.

Breakthrough Genomics
Classification: Likely benign. Review status: criteria provided, single submitter. Criteria: ACMG Guidelines, 2015. Collection method: not provided. Allele origin: germline. Inheritance: Autosomal recessive inheritance. Affected: yes.

PreventionGenetics, part of Exact Sciences
Classification: Benign. Review status: criteria provided, single submitter. Criteria: ACMG Guidelines, 2015. Collection method: clinical testing. Allele origin: germline.